The following is an entry in ClinVar:

ClinVar aggregate classification (germline): Likely pathogenic (1 of 4 stars; one submission).

Conditions:
Developmental and epileptic encephalopathy 94 (DEE94). Also called: Epileptic encephalopathy, childhood-onset; CHD2-Related Neurodevelopmental Disorders. Identifiers: Orphanet 1942, Orphanet 2382, MedGen C3809278, MONDO:0014150, OMIM 615369.

Submission:

Labcorp Genetics (formerly Invitae), Labcorp
Classification: Likely pathogenic for Developmental and epileptic encephalopathy 94. Last evaluated: 2020-08-27. Review status: criteria provided, single submitter. Criteria: Invitae Variant Classification Sherloc (09022015). Collection method: clinical testing. Allele origin: germline.
Comment: In summary, the currently available evidence indicates that the variant is pathogenic, but additional data are needed to prove that conclusively. Therefore, this variant has been classified as Likely Pathogenic. Algorithms developed to predict the effect of missense changes on protein structure and function (SIFT, PolyPhen-2, Align-GVGD) all suggest that this variant is likely to be disruptive, but these predictions have not been confirmed by published functional studies and their clinical significance is uncertain. This variant has been observed in individual(s) with clinical features of CHD2-related conditions (Invitae). In at least one individual the variant was observed to be de novo. This variant is not present in population databases (ExAC no frequency). This sequence change replaces glycine with glutamic acid at codon 1272 of the CHD2 protein (p.Gly1272Glu). The glycine residue is highly conserved and there is a moderate physicochemical difference between glycine and glutamic acid.

NM_001271.4(CHD2):c.3815G>A (p.Gly1272Glu)

Gene: CHD2 (chromodomain helicase DNA binding protein 2; plus strand). Cytogenetic location: 15q26.1.
Variant type: single nucleotide variant.
Coding change: c.3815G>A on transcript NM_001271.4 (MANE Select); coding-DNA position 3815, G replaced by A.
Protein change: p.Gly1272Glu; replaces glycine 1272 with glutamic acid.
Molecular consequence: missense variant.
Genome position (GRCh38, 1-based): chr15:92,997,333, G>A. VCF-style: chr15-92997333-G-A. GRCh37 (hg19) VCF-style: chr15-93540563-G-A.
Other names: short protein forms G1272E.
Identifiers: ClinVar variation 1067861 (VCV001067861.9), dbSNP rs2141867671, ClinGen allele CA393898537.
Genomic context (GRCh38, chr15:92,997,333, plus strand): 5'-TCAAAGCTGCACATTTTGATGTAGAGTGGGGGGTGGAAGATGATTCTCGCCTGTTGCTGG[G>A]GATTTATGAACATGGCTATGGAAACTGGGAGTTAATTAAAACAGACCCAGAGCTTAAATT-3'
Protein context (NP_001262.3, residues 1262-1282): GVEDDSRLLL[Gly1272Glu]IYEHGYGNWE